The following is an entry in ClinVar:

NM_015693.4(INTU):c.319T>C (p.Tyr107His)

Gene: INTU (inturned planar cell polarity protein; plus strand). Cytogenetic location: 4q28.1.
Variant type: single nucleotide variant.
Coding change: c.319T>C on transcript NM_015693.4 (MANE Select); coding-DNA position 319, T replaced by C.
Protein change: p.Tyr107His; replaces tyrosine 107 with histidine.
Molecular consequence: missense variant.
Genome position (GRCh38, 1-based): chr4:127,643,693, T>C. VCF-style: chr4-127643693-T-C. GRCh37 (hg19) VCF-style: chr4-128564848-T-C.
Other names: short protein forms Y107H.
Identifiers: ClinVar variation 1970568 (VCV001970568.5), dbSNP rs763044741, ClinGen allele CA3074770.

ClinVar aggregate classification (germline): Uncertain significance (1 of 4 stars; one submission).

Allele frequency attached by ClinVar (database versions not stated): ExAC 0.00001; gnomAD 0.00001; gnomAD exomes 0.00001; TOPMed 0.00001.
gnomAD v4.1: 9 of 1,612,000 alleles (0.00056%); highest among the groups gnomAD compares: African/African-American, 0.0054%; no homozygotes.

Submission:

Labcorp Genetics (formerly Invitae), Labcorp
Classification: Uncertain significance. Last evaluated: 2022-08-02. Review status: criteria provided, single submitter. Criteria: Invitae Variant Classification Sherloc (09022015). Collection method: clinical testing. Allele origin: germline.
Comment: In summary, the available evidence is currently insufficient to determine the role of this variant in disease. Therefore, it has been classified as a Variant of Uncertain Significance. Algorithms developed to predict the effect of missense changes on protein structure and function output the following: SIFT: "Tolerated"; PolyPhen-2: "Benign"; Align-GVGD: "Class C0". The histidine amino acid residue is found in multiple mammalian species, which suggests that this missense change does not adversely affect protein function. This variant has not been reported in the literature in individuals affected with INTU-related conditions. This variant is present in population databases (rs763044741, gnomAD 0.007%). This sequence change replaces tyrosine, which is neutral and polar, with histidine, which is basic and polar, at codon 107 of the INTU protein (p.Tyr107His).